The following is an entry in ClinVar:

ClinVar aggregate classification (germline): Uncertain significance (1 of 4 stars; one submission).

Conditions:
Fanconi anemia (FA). Also called: Fanconi's anemia. Identifiers: Orphanet 84, MedGen C0015625, MeSH D005199, MONDO:0019391.

Submission:

Labcorp Genetics (formerly Invitae), Labcorp
Classification: Uncertain significance for Fanconi anemia. Last evaluated: 2021-07-29. Review status: criteria provided, single submitter. Criteria: Invitae Variant Classification Sherloc (09022015). Collection method: clinical testing. Allele origin: germline.
Comment: In summary, the available evidence is currently insufficient to determine the role of this variant in disease. Therefore, it has been classified as a Variant of Uncertain Significance. Algorithms developed to predict the effect of missense changes on protein structure and function (SIFT, PolyPhen-2, Align-GVGD) all suggest that this variant is likely to be tolerated. This variant has not been reported in the literature in individuals affected with SLX4-related conditions. This variant is not present in population databases (ExAC no frequency). This sequence change replaces alanine with serine at codon 1694 of the SLX4 protein (p.Ala1694Ser). The alanine residue is weakly conserved and there is a moderate physicochemical difference between alanine and serine.

NM_032444.4(SLX4):c.5080G>T (p.Ala1694Ser)

Gene: SLX4 (SLX4 structure-specific endonuclease subunit; minus strand). Cytogenetic location: 16p13.3.
Variant type: single nucleotide variant.
Coding change: c.5080G>T on transcript NM_032444.4 (MANE Select); coding-DNA position 5080, G replaced by T.
Protein change: p.Ala1694Ser; replaces alanine 1694 with serine.
Molecular consequence: missense variant.
Genome position (GRCh38, 1-based): chr16:3,583,170, C>A on the plus strand (G>T on the coding strand, the complement: SLX4 is on the minus strand). VCF-style: chr16-3583170-C-A. GRCh37 (hg19) VCF-style: chr16-3633171-C-A.
Other names: short protein forms A1694S.
Identifiers: ClinVar variation 1406609 (VCV001406609.6), dbSNP rs1218491919, ClinGen allele CA394514606.